The following is an entry in ClinVar:

ClinVar aggregate classification (germline): Uncertain significance. Review status: criteria provided, multiple submitters, no conflicts (2 of 4 stars). 2 submissions from 2 submitters: Uncertain significance (2). Last evaluated 2025-04-02.

Conditions:
Inborn genetic diseases. Identifiers: MedGen C0950123, MeSH D030342.
LAMA2-related muscular dystrophy (LAMA2-RD). Also called: Laminin alpha 2-related dystrophy. Identifiers: MedGen C5679788, MONDO:0100228.

Allele frequency attached by ClinVar (database versions not stated): gnomAD 0.00001; TOPMed 0.00001.
gnomAD v4.1: 6 of 1,613,978 alleles (0.00037%); highest among the groups gnomAD compares: Non-Finnish European, 0.00051%; no homozygotes.

Submissions (2):

Ambry Genetics
Classification: Uncertain significance for Inborn genetic diseases. Last evaluated: 2025-04-02. Review status: criteria provided, single submitter. Criteria: Ambry Variant Classification Scheme 2023. Collection method: clinical testing. Allele origin: germline.

Labcorp Genetics (formerly Invitae), Labcorp
Classification: Uncertain significance for LAMA2-related muscular dystrophy. Last evaluated: 2022-08-19. Review status: criteria provided, single submitter. Criteria: Invitae Variant Classification Sherloc (09022015). Collection method: clinical testing. Allele origin: germline.
Comment: This sequence change replaces leucine, which is neutral and non-polar, with phenylalanine, which is neutral and non-polar, at codon 154 of the LAMA2 protein (p.Leu154Phe). This variant is not present in population databases (gnomAD no frequency). This variant has not been reported in the literature in individuals affected with LAMA2-related conditions. ClinVar contains an entry for this variant (Variation ID: 1359552). Advanced modeling of protein sequence and biophysical properties (such as structural, functional, and spatial information, amino acid conservation, physicochemical variation, residue mobility, and thermodynamic stability) performed at Invitae indicates that this missense variant is not expected to disrupt LAMA2 protein function. In summary, the available evidence is currently insufficient to determine the role of this variant in disease. Therefore, it has been classified as a Variant of Uncertain Significance.

NM_000426.4(LAMA2):c.462G>T (p.Leu154Phe)

Gene: LAMA2 (laminin subunit alpha 2; plus strand). Cytogenetic location: 6q22.33.
Variant type: single nucleotide variant.
Coding change: c.462G>T on transcript NM_000426.4 (MANE Select); coding-DNA position 462, G replaced by T.
Protein change: p.Leu154Phe; replaces leucine 154 with phenylalanine.
Molecular consequence: missense variant.
Genome position (GRCh38, 1-based): chr6:129,098,238, G>T. VCF-style: chr6-129098238-G-T. GRCh37 (hg19) VCF-style: chr6-129419383-G-T.
Other names: c.462G>T, p.Leu154Phe (NM_001079823.2); c.462G>T (NM_000426.3); short protein forms L154F.
Identifiers: ClinVar variation 1359552 (VCV001359552.6), dbSNP rs1179820621, ClinGen allele CA365829177.
Genomic context (GRCh38, chr6:129,098,238, plus strand): 5'-CCAGATCGCGTATGTGATTGTGAAGGCAGCTAACTCCCCCCGGCCTGGAAACTGGATTTT[G>T]GAACGCTCTCTTGATGATGTTGAATACAAGCCCTGGCAGTATCATGCTGTGACAGACACG-3'
Protein context (NP_000417.3, residues 144-164): ANSPRPGNWI[Leu154Phe]ERSLDDVEYK